The following is an entry in ClinVar:

ClinVar aggregate classification (germline): Conflicting classifications of pathogenicity. Review status: criteria provided, conflicting classifications (1 of 4 stars). 4 submissions from 4 submitters: Uncertain significance (2); Likely benign (2). Last evaluated 2025-06-12.

Conditions:
Hereditary cancer-predisposing syndrome. Also called: Tumor predisposition; Neoplastic Syndromes, Hereditary; Hereditary neoplastic syndrome; Hereditary Cancer Syndrome. Identifiers: Orphanet 140162, MedGen C0027672, MeSH D009386, MONDO:0015356.
Hereditary breast ovarian cancer syndrome. Also called: Hereditary breast and ovarian cancer; Hereditary breast and ovarian cancer syndrome (HBOC); Breast and ovarian cancer; Hereditary breast and ovarian cancer syndrome; BRCA1- and BRCA2-Associated Hereditary Breast and Ovarian Cancer; Hereditary breast and/or ovarian cancer syndrome. Identifiers: Orphanet 145, MedGen C0677776, MeSH D061325, MONDO:0003582. Disease mechanism: loss of function.

Submissions (4):

Ambry Genetics
Classification: Likely benign for Hereditary cancer-predisposing syndrome. Last evaluated: 2025-06-12. Review status: criteria provided, single submitter. Criteria: Ambry Variant Classification Scheme 2023. Collection method: clinical testing. Allele origin: germline.

University of Washington Department of Laboratory Medicine, University of Washington
Classification: Likely benign for Hereditary cancer-predisposing syndrome. Last evaluated: 2023-03-23. Review status: criteria provided, single submitter. Criteria: Dines et al. (Genet Med. 2020). Collection method: curation. Allele origin: germline.
Comment: Missense variant in a coldspot region where missense variants are very unlikely to be pathogenic (PMID:31911673).

BRCA2 exon 10 coldspot. Reclassification based on statistical prior probability.

Labcorp Genetics (formerly Invitae), Labcorp
Classification: Uncertain significance for Hereditary breast ovarian cancer syndrome. Last evaluated: 2022-05-26. Review status: criteria provided, single submitter. Criteria: Invitae Variant Classification Sherloc (09022015). Collection method: clinical testing. Allele origin: germline.
Comment: This variant is not present in population databases (gnomAD no frequency). This sequence change replaces lysine, which is basic and polar, with glutamic acid, which is acidic and polar, at codon 607 of the BRCA2 protein (p.Lys607Glu). This variant has not been reported in the literature in individuals affected with BRCA2-related conditions. In summary, the available evidence is currently insufficient to determine the role of this variant in disease. Therefore, it has been classified as a Variant of Uncertain Significance. Advanced modeling of protein sequence and biophysical properties (such as structural, functional, and spatial information, amino acid conservation, physicochemical variation, residue mobility, and thermodynamic stability) performed at Invitae indicates that this missense variant is not expected to disrupt BRCA2 protein function. ClinVar contains an entry for this variant (Variation ID: 630450).

Color Diagnostics, LLC DBA Color Health
Classification: Uncertain significance for Hereditary cancer-predisposing syndrome. Last evaluated: 2019-05-31. Review status: criteria provided, single submitter. Criteria: ACMG Guidelines, 2015. Collection method: clinical testing. Allele origin: germline.

NM_000059.4(BRCA2):c.1819A>G (p.Lys607Glu)

Gene: BRCA2 (BRCA2 DNA repair associated; plus strand). Cytogenetic location: 13q13.1.
Variant type: single nucleotide variant.
Coding change: c.1819A>G on transcript NM_000059.4 (MANE Select); coding-DNA position 1819, A replaced by G.
Protein change: p.Lys607Glu; replaces lysine 607 with glutamic acid.
Molecular consequence: missense variant.
Genome position (GRCh38, 1-based): chr13:32,333,297, A>G. VCF-style: chr13-32333297-A-G. GRCh37 (hg19) VCF-style: chr13-32907434-A-G.
Other names: short protein forms K607E.
Identifiers: ClinVar variation 630450 (VCV000630450.10), dbSNP rs80358471, ClinGen allele CA387766054.